The following is an entry in ClinVar:

NM_001130987.2(DYSF):c.2683_2686del (p.Val895fs)

Gene: DYSF (dysferlin; plus strand). Cytogenetic location: 2p13.2.
Variant type: Microsatellite.
Coding change: c.2683_2686del on transcript NM_001130987.2 (MANE Select); coding-DNA positions 2683 to 2686, 4 bases deleted (GTCT; older notation c.2683_2686delGTCT).
Protein change: p.Val895fs; shifts the reading frame from valine 895.
Molecular consequence: frameshift variant.
Genome position (GRCh38, 1-based): chr2:71,568,068-71,568,071, GTCT deleted; deleting any 4 consecutive bases within chr2:71,568,062-71,568,071 gives the same sequence; the c. name uses the placement nearest the transcript's 3' end. VCF-style (leftmost placement, unchanged base first): chr2-71568061-GCTGT-G. GRCh37 (hg19) VCF-style: chr2-71795191-GCTGT-G.
Other names: c.2629_2632delGTCT (NM_003494.3); c.2632_2635del, p.Val878fs (NM_001130455.2, NM_001130983.2); c.2587_2590del, p.Val863fs (NM_001130976.2, NM_001130977.2); c.2629_2632del, p.Val877fs (NM_001130978.2, NM_003494.4); c.2722_2725del, p.Val908fs (NM_001130979.2); c.2680_2683del, p.Val894fs (NM_001130980.2, NM_001130981.2); c.2725_2728del, p.Val909fs (NM_001130982.2); c.2590_2593del, p.Val864fs (NM_001130984.2, NM_001130986.2); and 1 more; short protein forms V863fs, V864fs, V877fs, V878fs, V894fs, V895fs, V908fs, V909fs.
Identifiers: ClinVar variation 4081361 (VCV004081361.2).

ClinVar aggregate classification (germline): Likely pathogenic. Review status: criteria provided, multiple submitters, no conflicts (2 of 4 stars). 2 submissions from 2 submitters: Likely pathogenic (2). Last evaluated 2025-04-22.

Conditions:
Autosomal recessive limb-girdle muscular dystrophy type 2B (LGMDR2). Also called: Limb-Girdle Muscular Dystrophy Type 2B (LGMD2B); Limb-girdle muscular dystrophy, type 2B; MUSCULAR DYSTROPHY, LIMB-GIRDLE, AUTOSOMAL RECESSIVE 2; MUSCULAR DYSTROPHY, LIMB-GIRDLE, TYPE 3. Identifiers: Orphanet 268, MedGen C1850889, MONDO:0009676, OMIM 253601.

Submissions (2):

Natera, Inc.
Classification: Likely pathogenic for Limb-girdle muscular dystrophy type 2B. Last evaluated: 2025-04-22. Review status: criteria provided, single submitter. Criteria: Natera Variant Classification Schema (03/2026). Collection method: clinical testing. Allele origin: germline.
Comment: The c.2629_2632delGTCT variant in DYSF is a frameshift variant predicted to shift the reading frame beginning at codon 877 and leads to a stop codon 70 codons downstream. This variant is expected to result in nonsense mediated decay, truncation, or a dysfunctional protein product. This variant is rare in the general population with a frequency below the threshold expected for the associated phenotype(s). Given the available evidence, this variant is classified as Likely Pathogenic.

Revvity Omics, Revvity
Classification: Likely pathogenic. Last evaluated: 2025-02-27. Review status: criteria provided, single submitter. Criteria: ACMG Guidelines, 2015. Collection method: clinical testing. Allele origin: germline.